The following is an entry in ClinVar:

ClinVar aggregate classification (germline): Pathogenic (1 of 4 stars; one submission).

Allele frequency attached by ClinVar (database versions not stated): ESP Exome Variant Server 0.00015.
gnomAD v4.1: 16 of 1,613,808 alleles (0.00099%); highest among the groups gnomAD compares: African/African-American, 0.021%; no homozygotes.

Submission:

Labcorp Genetics (formerly Invitae), Labcorp
Classification: Pathogenic. Last evaluated: 2025-11-03. Review status: criteria provided, single submitter. Criteria: Invitae Variant Classification Sherloc (09022015). Collection method: clinical testing. Allele origin: germline.
Comment: This sequence change creates a premature translational stop signal (p.Tyr159*) in the ADAMTSL4 gene. It is expected to result in an absent or disrupted protein product. Loss-of-function variants in ADAMTSL4 are known to be pathogenic (PMID: 20564469, 28642162). This variant is present in population databases (rs376791448, gnomAD 0.03%). This variant has not been reported in the literature in individuals affected with ADAMTSL4-related conditions. ClinVar contains an entry for this variant (Variation ID: 3017788). Algorithms developed to predict the effect of sequence changes on RNA splicing suggest that this variant may disrupt the consensus splice site. For these reasons, this variant has been classified as Pathogenic.

Literature cited by the submitters: PubMed 20564469; PubMed 28642162.

NM_019032.6(ADAMTSL4):c.477T>G (p.Tyr159Ter)

Genes: ADAMTSL4 (ADAMTS like 4; plus strand), ADAMTSL4-AS2 (ADAMTSL4 antisense RNA 2; minus strand). Cytogenetic location: 1q21.2.
Variant type: single nucleotide variant.
Coding change: c.477T>G on transcript NM_019032.6 (MANE Select); coding-DNA position 477, T replaced by G.
Protein change: p.Tyr159Ter; replaces tyrosine 159 with a stop codon.
Molecular consequence: nonsense.
Genome position (GRCh38, 1-based): chr1:150,553,468, T>G. VCF-style: chr1-150553468-T-G. GRCh37 (hg19) VCF-style: chr1-150525944-T-G.
Other names: c.477T>G, p.Tyr159Ter (NM_001288607.2, NM_001288608.2, NM_001378596.1 and 1 more transcripts); short protein forms Y159*.
Identifiers: ClinVar variation 3017788 (VCV003017788.3), dbSNP rs376791448, ClinGen allele CA1077970.